The following is an entry in ClinVar:

ClinVar aggregate classification (germline): Pathogenic (1 of 4 stars; one submission).

Submission:

Labcorp Genetics (formerly Invitae), Labcorp
Classification: Pathogenic. Last evaluated: 2025-10-29. Review status: criteria provided, single submitter. Criteria: Invitae Variant Classification Sherloc (09022015). Collection method: clinical testing. Allele origin: germline.
Comment: This sequence change creates a premature translational stop signal (p.Lys91Serfs*16) in the ATP2B2 gene. It is expected to result in an absent or disrupted protein product. Loss-of-function variants in ATP2B2 are known to be pathogenic (PMID: 30535804). This variant is not present in population databases (gnomAD no frequency). This variant has not been reported in the literature in individuals affected with ATP2B2-related conditions. For these reasons, this variant has been classified as Pathogenic.

Literature cited by the submitters: PubMed 30535804.

NM_001001331.4(ATP2B2):c.272del (p.Lys91fs)

Gene: ATP2B2 (ATPase plasma membrane Ca2+ transporting 2; minus strand). Cytogenetic location: 3p25.3.
Variant type: Deletion.
Coding change: c.272del on transcript NM_001001331.4 (MANE Select); coding-DNA position 272, one base deleted (A; older notation c.272delA).
Protein change: p.Lys91fs; shifts the reading frame from lysine 91.
Molecular consequence: frameshift variant.
Genome position (GRCh38, 1-based): chr3:10,410,743, T deleted on the plus strand (A on the coding strand, the reverse complement: ATP2B2 is on the minus strand); the first of 2 consecutive T bases (chr3:10,410,743-10,410,744); deleting either gives the same sequence. VCF-style (leftmost placement, unchanged base first): chr3-10410742-CT-C. GRCh37 (hg19) VCF-style: chr3-10452426-CT-C.
Other names: c.272del, p.Lys91fs (NM_001330611.3, NM_001353564.1, NM_001363862.1 and 3 more transcripts); short protein forms K91fs.
Identifiers: ClinVar variation 4730226 (VCV004730226.1).